The following is an entry in ClinVar:

ClinVar aggregate classification (germline): Uncertain significance. Review status: criteria provided, multiple submitters, no conflicts (2 of 4 stars). 2 submissions from 2 submitters: Uncertain significance (2). Last evaluated 2022-11-07.

Conditions:
Inborn genetic diseases. Identifiers: MedGen C0950123, MeSH D030342.

Allele frequency attached by ClinVar (database versions not stated): gnomAD exomes 0.00002; ExAC 0.00003.
gnomAD v4.1: 26 of 1,614,046 alleles (0.0016%); highest among the groups gnomAD compares: Admixed American, 0.0033%; 1 homozygote.

Submissions (2):

Ambry Genetics
Classification: Uncertain significance for Inborn genetic diseases. Last evaluated: 2022-11-07. Review status: criteria provided, single submitter. Criteria: Ambry Variant Classification Scheme 2023. Collection method: clinical testing. Allele origin: germline.

Labcorp Genetics (formerly Invitae), Labcorp
Classification: Uncertain significance. Last evaluated: 2022-03-05. Review status: criteria provided, single submitter. Criteria: Invitae Variant Classification Sherloc (09022015). Collection method: clinical testing. Allele origin: germline.
Comment: In summary, the available evidence is currently insufficient to determine the role of this variant in disease. Therefore, it has been classified as a Variant of Uncertain Significance. This sequence change replaces arginine, which is basic and polar, with glutamine, which is neutral and polar, at codon 116 of the CLP1 protein (p.Arg116Gln). This variant is present in population databases (rs774552487, gnomAD 0.007%). This variant has not been reported in the literature in individuals affected with CLP1-related conditions. Algorithms developed to predict the effect of missense changes on protein structure and function are either unavailable or do not agree on the potential impact of this missense change (SIFT: "Tolerated"; PolyPhen-2: "Probably Damaging"; Align-GVGD: "Class C0").

NM_006831.3(CLP1):c.347G>A (p.Arg116Gln)

Gene: CLP1 (cleavage factor polyribonucleotide kinase subunit 1; plus strand). Cytogenetic location: 11q12.1.
Variant type: single nucleotide variant.
Coding change: c.347G>A on transcript NM_006831.3 (MANE Select); coding-DNA position 347, G replaced by A.
Protein change: p.Arg116Gln; replaces arginine 116 with glutamine.
Molecular consequence: missense variant.
Genome position (GRCh38, 1-based): chr11:57,659,823, G>A. VCF-style: chr11-57659823-G-A. GRCh37 (hg19) VCF-style: chr11-57427295-G-A.
Other names: c.347G>A, p.Arg116Gln (NM_001142597.2); c.347G>A (NM_006831.2); short protein forms R116Q.
Identifiers: ClinVar variation 2184934 (VCV002184934.4), dbSNP rs774552487, ClinGen allele CA6008506.